The following is an entry in ClinVar:

NM_006904.7(PRKDC):c.11935C>G (p.Leu3979Val)

Gene: PRKDC (protein kinase, DNA-activated, catalytic subunit; minus strand). Cytogenetic location: 8q11.21.
Variant type: single nucleotide variant.
Coding change: c.11935C>G on transcript NM_006904.7 (MANE Select); coding-DNA position 11935, C replaced by G.
Protein change: p.Leu3979Val; replaces leucine 3979 with valine.
Molecular consequence: missense variant.
Genome position (GRCh38, 1-based): chr8:47,777,793, G>C on the plus strand (C>G on the coding strand, the complement: PRKDC is on the minus strand). VCF-style: chr8-47777793-G-C. GRCh37 (hg19) VCF-style: chr8-48690354-G-C.
Other names: c.11842C>G, p.Leu3948Val (NM_001081640.2); short protein forms L3948V, L3979V.
Identifiers: ClinVar variation 847203 (VCV000847203.2), dbSNP rs59303802, ClinGen allele CA371128232.
Genomic context (GRCh38, chr8:47,777,793, plus strand): 5'-TGAGCAGGCCAGGGTCTGAGCGGAAGGCCCGGAGTGCGTGTACCATGATGCTGTACATAA[G>C]GCCCGTTTCTTTCATTGGTAACATCAGATTGATAAACTGGCGAGTTAGCCGAAAAGGCAT-3'
Protein context (NP_008835.5, residues 3969-3989): NLMLPMKETG[Leu3979Val]MYSIMVHALR

ClinVar aggregate classification (germline): Uncertain significance (1 of 4 stars; one submission).

Conditions:
Severe combined immunodeficiency due to DNA-PKcs deficiency. Also called: IMMUNODEFICIENCY 26 WITH NEUROLOGIC ABNORMALITIES; Immunodeficiency 26 with or without neurologic abnormalities. Identifiers: Orphanet 317425, MedGen C4014833, MONDO:0014423, OMIM 615966.

Submission:

Labcorp Genetics (formerly Invitae), Labcorp
Classification: Uncertain significance for Severe combined immunodeficiency due to DNA-PKcs deficiency. Last evaluated: 2019-02-07. Review status: criteria provided, single submitter. Criteria: Invitae Variant Classification Sherloc (09022015). Collection method: clinical testing. Allele origin: germline.
Comment: This sequence change replaces leucine with valine at codon 3979 of the PRKDC protein (p.Leu3979Val). The leucine residue is weakly conserved and there is a small physicochemical difference between leucine and valine. This variant is not present in population databases (ExAC no frequency). This variant has not been reported in the literature in individuals with PRKDC-related conditions. Algorithms developed to predict the effect of missense changes on protein structure and function output the following: SIFT: Tolerated; PolyPhen-2: Benign; Align-GVGD: Class C0. The valine amino acid residue is found in multiple mammalian species, suggesting that this missense change does not adversely affect protein function. These predictions have not been confirmed by published functional studies and their clinical significance is uncertain. In summary, the available evidence is currently insufficient to determine the role of this variant in disease. Therefore, it has been classified as a Variant of Uncertain Significance.